The following is an entry in ClinVar:

ClinVar aggregate classification (germline): Uncertain significance (1 of 4 stars; one submission).

Allele frequency attached by ClinVar (database versions not stated): gnomAD exomes below 0.00001; TOPMed below 0.00001; gnomAD 0.00001.
gnomAD v4.1: 5 of 1,338,582 alleles (0.00037%); highest among the groups gnomAD compares: South Asian, 0.0015%; no homozygotes.

Submission:

Labcorp Genetics (formerly Invitae), Labcorp
Classification: Uncertain significance. Last evaluated: 2022-02-24. Review status: criteria provided, single submitter. Criteria: Invitae Variant Classification Sherloc (09022015). Collection method: clinical testing. Allele origin: germline.
Comment: In summary, the available evidence is currently insufficient to determine the role of this variant in disease. Therefore, it has been classified as a Variant of Uncertain Significance. Algorithms developed to predict the effect of missense changes on protein structure and function are either unavailable or do not agree on the potential impact of this missense change (SIFT: "Tolerated"; PolyPhen-2: "Not Available"; Align-GVGD: "Class C0"). This variant has not been reported in the literature in individuals affected with HMX1-related conditions. This variant is not present in population databases (gnomAD no frequency). This sequence change replaces glutamic acid, which is acidic and polar, with aspartic acid, which is acidic and polar, at codon 55 of the HMX1 protein (p.Glu55Asp).

NM_018942.3(HMX1):c.165G>C (p.Glu55Asp)

Gene: HMX1 (H6 family homeobox 1; minus strand). Cytogenetic location: 4p16.1.
Variant type: single nucleotide variant.
Coding change: c.165G>C on transcript NM_018942.3 (MANE Select); coding-DNA position 165, G replaced by C.
Protein change: p.Glu55Asp; replaces glutamic acid 55 with aspartic acid.
Molecular consequence: missense variant.
Genome position (GRCh38, 1-based): chr4:8,871,450, C>G on the plus strand (G>C on the coding strand, the complement: HMX1 is on the minus strand). VCF-style: chr4-8871450-C-G. GRCh37 (hg19) VCF-style: chr4-8873176-C-G.
Other names: c.165G>C, p.Glu55Asp (NM_001306142.2); short protein forms E55D.
Identifiers: ClinVar variation 1513365 (VCV001513365.8), dbSNP rs1722219236, ClinGen allele CA356279204.